The following is an entry in ClinVar:

NM_000145.4(FSHR):c.566C>T (p.Ala189Val)

Gene: FSHR (follicle stimulating hormone receptor; minus strand). Cytogenetic location: 2p16.3.
Variant type: single nucleotide variant.
Coding change: c.566C>T on transcript NM_000145.4 (MANE Select); coding-DNA position 566, C replaced by T.
Protein change: p.Ala189Val; replaces alanine 189 with valine.
Molecular consequence: missense variant.
Genome position (GRCh38, 1-based): chr2:48,983,125, G>A on the plus strand (C>T on the coding strand, the complement: FSHR is on the minus strand). VCF-style: chr2-48983125-G-A. GRCh37 (hg19) VCF-style: chr2-49210264-G-A.
Other names: c.488C>T, p.Ala163Val (NM_181446.3); short protein forms A189V, A163V.
Identifiers: ClinVar variation 16243 (VCV000016243.4), dbSNP rs121909658, ClinGen allele CA126291.
Genomic context (GRCh38, chr2:48,983,125, plus strand): 5'-AAATGGCCTTGAAGAATAGTCAGGGCTACTTACAGCTCATCTAGTTGGGTTCCATTGAAT[G>A]CACAGTTGTGTATTTCTTGAATCCCATTCTTATTCAGCCATCTGAAATAAAAGGCCTATT-3'
Protein context (NP_000136.2, residues 179-199): KNGIQEIHNC[Ala189Val]FNGTQLDELN

ClinVar aggregate classification (germline): Pathogenic. Review status: criteria provided, single submitter (1 of 4 stars). 3 submissions from 3 submitters: Pathogenic (1). 2 of the submissions do not count toward it. Last evaluated 2024-09-20.

Conditions:
FSHR-related disorder. Also called: FSHR-related disorders; FSHR-related condition.
Ovarian dysgenesis 1 (ODG1). Also called: Gonadal dysgenesis XX type deafness; GONADAL DYSGENESIS, XX TYPE; OVARIAN DYSGENESIS, HYPERGONADOTROPIC, AUTOSOMAL RECESSIVE; OVARIAN DYSGENESIS, HYPERGONADOTROPIC, WITH NORMAL KARYOTYPE; OVARIAN FAILURE, HYPERGONADOTROPIC. Identifiers: Orphanet 243, MedGen C0949595, MONDO:0024463, OMIM 233300.

Allele frequency attached by ClinVar (database versions not stated): TOPMed 0.00002; gnomAD exomes 0.00026 and 0.00069; gnomAD 0.00057 and 0.00059; ExAC 0.00062.
gnomAD v4.1: 450 of 1,613,968 alleles (0.028%); highest among the groups gnomAD compares: Non-Finnish European, 0.001%; no homozygotes.

Submissions (3):

Blueprint Genetics
Classification: Pathogenic for FSHR-related disorders. Last evaluated: 2024-09-20. Review status: criteria provided, single submitter. Criteria: ACMG Guidelines, 2015. Collection method: clinical testing. Allele origin: germline. Affected: yes. Observed: 5 variant alleles.

Reproductive Health Research and Development, BGI Genomics
Classification: Pathogenic for Ovarian dysgenesis 1. Last evaluated: 2020-01-06. Review status: no assertion criteria provided. Collection method: curation. Allele origin: germline. Not counted in ClinVar's aggregate classification.
Comment: NM_000145.3:c.566C>T in the FSHR gene has an allele frequency of 0.007 in European (Finnish) subpopulation in the gnomAD database. The p.Ala189Val (NM_000145.3:c.566C>T) variant in FSHR has been reported as founder mutation in Finnish population(PMID: 11754099), and segregated in over 10 affected siblings in 6 families (PMID: 7553856). Expression of the gene in transfected cells demonstrated a dramatic reduction of binding capacity and signal transduction, but apparently normal ligand-binding affinity of the mutated receptor (PMID: 7553856). Pathogenic computational verdict because pathogenic predictions from DANN, EIGEN, FATHMM-MKL, M-CAP, MVP, MutationTaster, REVEL and SIFT. Taken together, we interprete this variant as Pathogenic/Likely pathogenic variant. ACMG/AMP Criteria applied: PS4, PP3, PS3, PP1_Strong.

OMIM
Classification: Pathogenic for OVARIAN DYSGENESIS 1. Last evaluated: 2002-01-01. Review status: no assertion criteria provided. Collection method: literature only. Allele origin: germline. Not counted in ClinVar's aggregate classification.

Literature cited by the submitters: PubMed 7553856 (cited by OMIM); PubMed 8855829 (cited by OMIM); PubMed 9020851 (cited by OMIM); PubMed 9851774 (cited by OMIM); PubMed 11754099 (cited by OMIM).